The following is an entry in ClinVar:

ClinVar aggregate classification (germline): Likely benign. Review status: criteria provided, multiple submitters, no conflicts (2 of 4 stars). 4 submissions from 4 submitters: Likely benign (4). Last evaluated 2025-11-13.

Conditions:
BRCA1-related cancer predisposition. Identifiers: MedGen CN377757, MONDO:0700268.
Hereditary cancer-predisposing syndrome. Also called: Neoplastic Syndromes, Hereditary; Tumor predisposition; Hereditary Cancer Syndrome; Hereditary neoplastic syndrome. Identifiers: Orphanet 140162, MedGen C0027672, MeSH D009386, MONDO:0015356.
Hereditary breast ovarian cancer syndrome. Also called: Hereditary breast and/or ovarian cancer syndrome; Hereditary breast and ovarian cancer; Hereditary breast and ovarian cancer syndrome (HBOC); Hereditary breast and ovarian cancer syndrome; Breast and ovarian cancer; BRCA1- and BRCA2-Associated Hereditary Breast and Ovarian Cancer. Identifiers: Orphanet 145, MedGen C0677776, MeSH D061325, MONDO:0003582. Disease mechanism: loss of function.

Submissions (4):

Labcorp Genetics (formerly Invitae), Labcorp
Classification: Likely benign for Hereditary breast ovarian cancer syndrome. Last evaluated: 2025-11-13. Review status: criteria provided, single submitter. Criteria: Invitae Variant Classification Sherloc (09022015). Collection method: clinical testing. Allele origin: germline.

All of Us Research Program, National Institutes of Health
Classification: Likely benign for BRCA1-related cancer predisposition. Last evaluated: 2024-07-20. Review status: criteria provided, single submitter. Criteria: ACMG Guidelines, 2015. Collection method: clinical testing. Allele origin: germline. Inheritance: Autosomal dominant inheritance. Observed: 2 variant alleles, 2 heterozygotes.
Comment: This study involves interpretation of variants in research participants for the purpose of population health screening. Participant phenotype was not available at the time of variant classification. Additional details can be found in publication PMID: 35346344, PMCID: PMC8962531

Color Diagnostics, LLC DBA Color Health
Classification: Likely benign for Hereditary cancer-predisposing syndrome. Last evaluated: 2022-04-20. Review status: criteria provided, single submitter. Criteria: ACMG Guidelines, 2015. Collection method: clinical testing. Allele origin: germline.

Ambry Genetics
Classification: Likely benign for Hereditary cancer-predisposing syndrome. Last evaluated: 2020-01-31. Review status: criteria provided, single submitter. Criteria: Ambry Variant Classification Scheme 2023. Collection method: clinical testing. Allele origin: germline.

NM_007294.4(BRCA1):c.2964A>C (p.Ser988=)

Gene: BRCA1 (BRCA1 DNA repair associated; minus strand). Cytogenetic location: 17q21.31.
Variant type: single nucleotide variant.
Coding change: c.2964A>C on transcript NM_007294.4 (MANE Select); coding-DNA position 2964, A replaced by C.
Protein change: p.Ser988=; no amino-acid change (serine 988 retained).
Molecular consequence: synonymous variant. On other transcripts: intron variant (137).
Genome position (GRCh38, 1-based): chr17:43,092,567, T>G on the plus strand (A>C on the coding strand, the complement: BRCA1 is on the minus strand). VCF-style: chr17-43092567-T-G. GRCh37 (hg19) VCF-style: chr17-41244584-T-G.
Other names: c.785-1535A>C (NM_001408473.1, NM_001408399.1, NM_001407984.1 and 13 more transcripts); c.665-1535A>C (NM_001408443.1, NM_001408439.1, NM_001408425.1 and 12 more transcripts); c.671-1535A>C (NM_001408419.1, NM_001408422.1, NM_001408418.1 and 2 more transcripts); c.788-1535A>C (NM_001408403.1, NM_001407983.1, NM_001407975.1 and 17 more transcripts); c.791-1544A>C (NM_001408406.1); c.647-1535A>C (NM_001408456.1, NM_001408410.1, NM_001408458.1 and 11 more transcripts); c.644-1535A>C (NM_001408465.1, NM_001408463.1, NM_001408462.1 and 3 more transcripts); c.578-1535A>C (NM_001408482.1, NM_001408484.1, NM_001408478.1 and 9 more transcripts); and 41 more.
Identifiers: ClinVar variation 1798193 (VCV001798193.10), dbSNP rs1064796061, ClinGen allele CA500232416.